The following is an entry in ClinVar:

NC_000001.10:g.(?_19545797)_(19568987_?)del

Gene: EMC1 (ER membrane protein complex subunit 1; minus strand). Cytogenetic location: 1p36.13.
Variant type: Deletion.
Identifiers: ClinVar variation 2426044 (VCV002426044.3).

ClinVar aggregate classification (germline): Uncertain significance (1 of 4 stars; one submission).

Submission:

Labcorp Genetics (formerly Invitae), Labcorp
Classification: Uncertain significance. Last evaluated: 2022-06-26. Review status: criteria provided, single submitter. Criteria: Invitae Variant Classification Sherloc (09022015). Collection method: clinical testing. Allele origin: germline.
Comment: Experimental studies and prediction algorithms are not available or were not evaluated, and the functional significance of this variant is currently unknown. This variant has not been reported in the literature in individuals affected with EMC1-related conditions. This variant is a gross deletion of the genomic region encompassing exon(s) 5-23 of the EMC1 gene, which includes the termination codon. This deletion extends beyond the assayed region for this gene and therefore may encompass additional genes. While this deletion is not anticipated to lead to nonsense mediated decay, it is expected to alter mRNA translation or result in a truncated protein product. This variant disrupts a region of the EMC1 protein in which other variant(s) (p.Gly868Arg) have been observed in individuals with EMC1-related conditions (PMID: 26942288). This suggests that this is a clinically significant region of the protein, and that variants that disrupt it are likely to be disease-causing. In summary, the available evidence is currently insufficient to determine the role of this variant in disease. Therefore, it has been classified as a Variant of Uncertain Significance.

Literature cited by the submitters: PubMed 26942288.